The following is an entry in ClinVar:

NM_000263.4(NAGLU):c.82_87delinsTGTATAAGAGACA (p.Glu28fs)

Genes: NAGLU (N-acetyl-alpha-glucosaminidase; plus strand), LOC130060903 (ATAC-STARR-seq lymphoblastoid silent region 8533; plus strand). Cytogenetic location: 17q21.2.
Variant type: Indel.
Coding change: c.82_87delinsTGTATAAGAGACA on transcript NM_000263.4 (MANE Select); coding-DNA positions 82 to 87, GAGGCG replaced by TGTATAAGAGACA.
Protein change: p.Glu28fs; shifts the reading frame from glutamic acid 28.
Molecular consequence: frameshift variant.
Genome position (GRCh38, 1-based): chr17:42,536,354-42,536,359, GAGGCG replaced by TGTATAAGAGACA. VCF-style: chr17-42536354-GAGGCG-TGTATAAGAGACA. GRCh37 (hg19) VCF-style: chr17-40688372-GAGGCG-TGTATAAGAGACA.
Other names: short protein forms E28fs.
Identifiers: ClinVar variation 1725141 (VCV001725141.2), dbSNP rs2510649793, ClinGen allele CA2580093743.
Genomic context (GRCh38, chr17:42,536,354, plus strand): 5'-GCGGCGGTGGGGGTCCTTCTCCTGGCCGGGGCCGGGGGCGCGGCAGGCGACGAGGCCCGG[GAGGCG>TGTATAAGAGACA]GCGGCCGTGCGGGCGCTCGTGGCCCGGCTGCTGGGGCCAGGCCCCGCGGCCGACTTCTCC-3'

ClinVar aggregate classification (germline): Likely pathogenic (1 of 4 stars; one submission).

Conditions:
Mucopolysaccharidosis, MPS-III-B (MPS3B). Also called: MUCOPOLYSACCHARIDOSIS, TYPE IIIB; Mucopolysaccharidosis type IIIB (Sanfilippo B); N-ACETYL-ALPHA-D-GLUCOSAMINIDASE DEFICIENCY; NAGLU DEFICIENCY; SANFILIPPO SYNDROME B; MPS III B. Identifiers: Orphanet 79270, MedGen C0086648, MONDO:0009656, OMIM 252920.

Submission:

Myriad Genetics, Inc.
Classification: Likely pathogenic for Mucopolysaccharidosis, MPS-III-B. Last evaluated: 2022-03-09. Review status: criteria provided, single submitter. Criteria: Myriad Women's Health Autosomal Recessive and X-Linked Classification Criteria (2021). Collection method: clinical testing. Allele origin: unknown.
Comment: NM_000263.3(NAGLU):c.82_87del6ins13(E28Cfs*166) is expected to be pathogenic in the context of mucopolysaccharidosis type IIIB. This variant is predicted to lead to an abnormal or absent protein product due to the creation of a premature termination codon in NAGLU, a gene where loss-of-function variants are known to be pathogenic. Please note: this variant was assessed in the context of healthy population screening.